The following is an entry in ClinVar:

NM_001267550.2(TTN):c.1613G>A (p.Arg538Lys)

Gene: TTN (titin; minus strand). Cytogenetic location: 2q31.2.
Variant type: single nucleotide variant.
Coding change: c.1613G>A on transcript NM_001267550.2 (MANE Select); coding-DNA position 1613, G replaced by A.
Protein change: p.Arg538Lys; replaces arginine 538 with lysine.
Molecular consequence: missense variant.
Genome position (GRCh38, 1-based): chr2:178,792,121, C>T on the plus strand (G>A on the coding strand, the complement: TTN is on the minus strand). VCF-style: chr2-178792121-C-T. GRCh37 (hg19) VCF-style: chr2-179656848-C-T.
Other names: c.1613G>A, p.Arg538Lys (NM_001256850.1, NM_003319.4, NM_133378.4 and 3 more transcripts); short protein forms R538K.
Identifiers: ClinVar variation 1776442 (VCV001776442.2), dbSNP rs985354175, ClinGen allele CA60985648.

ClinVar aggregate classification (germline): Uncertain significance (1 of 4 stars; one submission).

Conditions:
Cardiovascular phenotype. Identifiers: MedGen CN230736.

Allele frequency attached by ClinVar (database versions not stated): gnomAD 0.00001; gnomAD exomes 0.00001; TOPMed 0.00002.
gnomAD v4.1: 12 of 1,612,284 alleles (0.00074%); highest among the groups gnomAD compares: Non-Finnish European, 0.001%; no homozygotes.

Submission:

Ambry Genetics
Classification: Uncertain significance for Cardiovascular phenotype. Last evaluated: 2020-08-28. Review status: criteria provided, single submitter. Criteria: Ambry Variant Classification Scheme 2023. Collection method: clinical testing. Allele origin: germline.
Comment: The p.R538K variant (also known as c.1613G>A), located in coding exon 9 of the TTN gene, results from a G to A substitution at nucleotide position 1613. The arginine at codon 538 is replaced by lysine, an amino acid with highly similar properties. This amino acid position is well conserved in available vertebrate species; however, lysine is the reference amino acid in other vertebrate species. In addition, this alteration is predicted to be tolerated by in silico analysis. Since supporting evidence is limited at this time, the clinical significance of this alteration remains unclear.